The following is an entry in ClinVar:

ClinVar aggregate classification (germline): Conflicting classifications of pathogenicity. Review status: criteria provided, conflicting classifications (1 of 4 stars). 5 submissions from 5 submitters: Uncertain significance (3); Likely benign (1). 1 of the submissions does not count toward it. Last evaluated 2025-11-19.

Conditions:
WRN-related disorder. Also called: WRN-related condition.
Werner syndrome (WRN). Identifiers: Orphanet 902, MedGen C0043119, MONDO:0010196, OMIM 277700.

Allele frequency attached by ClinVar (database versions not stated): 1000 Genomes Project 0.00080; 1000 Genomes Project 30x 0.00094; gnomAD exomes 0.00007 and 0.00018; ESP Exome Variant Server 0.00069; TOPMed 0.00078; gnomAD 0.00072 and 0.00069; ExAC 0.00023.
gnomAD v4.1: 207 of 1,614,036 alleles (0.013%); highest among the groups gnomAD compares: African/African-American, 0.23%; 1 homozygote.

Submissions (5):

Dasa
Classification: Likely benign. Last evaluated: 2025-11-19. Review status: criteria provided, single submitter. Criteria: DASA Assertion Criteria. Collection method: clinical testing. Allele origin: germline.
Comment: NM_000553.6(WRN):c.1027G>A (p.Glu343Lys) is a missense variant that results in the substitution of glutamic acid with lysine. Observations in unaffected individuals support a benign interpretation. Computational prediction algorithms are consistent with a benign effect. Therefore, based on the currently available evidence, this variant is classified as likely benign.

Labcorp Genetics (formerly Invitae), Labcorp
Classification: Uncertain significance for Werner syndrome. Last evaluated: 2025-02-03. Review status: criteria provided, single submitter. Criteria: Invitae Variant Classification Sherloc (09022015). Collection method: clinical testing. Allele origin: germline.
Comment: This sequence change replaces glutamic acid, which is acidic and polar, with lysine, which is basic and polar, at codon 343 of the WRN protein (p.Glu343Lys). This variant is present in population databases (rs11574222, gnomAD 0.2%). This variant has not been reported in the literature in individuals affected with WRN-related conditions. ClinVar contains an entry for this variant (Variation ID: 238115). An algorithm developed to predict the effect of missense changes on protein structure and function outputs the following: PolyPhen-2: "Benign". The lysine amino acid residue is found in multiple mammalian species, which suggests that this missense change does not adversely affect protein function. In summary, the available evidence is currently insufficient to determine the role of this variant in disease. Therefore, it has been classified as a Variant of Uncertain Significance.

Fulgent Genetics
Classification: Uncertain significance for Werner syndrome. Last evaluated: 2024-03-07. Review status: criteria provided, single submitter. Criteria: ACMG Guidelines, 2015. Collection method: clinical testing. Allele origin: germline.

Baylor Genetics
Classification: Uncertain significance for Werner syndrome. Last evaluated: 2019-07-27. Review status: criteria provided, single submitter. Criteria: ACMG Guidelines, 2015. Collection method: clinical testing. Allele origin: unknown. Affected: yes. Study: CSER-TexasKidsCanSeq.
Comment: This variant was determined to be of uncertain significance according to ACMG Guidelines, 2015 [PMID:25741868].

PreventionGenetics, part of Exact Sciences
Classification: Likely benign for WRN-related condition. Last evaluated: 2022-04-27. Review status: no assertion criteria provided. Collection method: clinical testing. Allele origin: germline. Not counted in ClinVar's aggregate classification.
Comment: This variant is classified as likely benign based on ACMG/AMP sequence variant interpretation guidelines (Richards et al. 2015 PMID: 25741868, with internal and published modifications).

NM_000553.6(WRN):c.1027G>A (p.Glu343Lys)

Gene: WRN (WRN RecQ like helicase; plus strand). Cytogenetic location: 8p12.
Variant type: single nucleotide variant.
Coding change: c.1027G>A on transcript NM_000553.6 (MANE Select); coding-DNA position 1027, G replaced by A.
Protein change: p.Glu343Lys; replaces glutamic acid 343 with lysine.
Molecular consequence: missense variant.
Genome position (GRCh38, 1-based): chr8:31,081,054, G>A. VCF-style: chr8-31081054-G-A. GRCh37 (hg19) VCF-style: chr8-30938570-G-A.
Other names: short protein forms E343K.
Identifiers: ClinVar variation 238115 (VCV000238115.13), dbSNP rs11574222, ClinGen allele CA4704242.
Genomic context (GRCh38, chr8:31,081,054, plus strand): 5'-TCAACTACTGGGGGAGTACAACAGAAACAAATTAGAGAACATGAAGTTTTAATTCACGTT[G>A]AAGATGAAACATGGGACCCAACACTTGATCATTTAGCTAAACATGATGGAGAAGATGTAC-3'
Protein context (NP_000544.2, residues 333-353): IREHEVLIHV[Glu343Lys]DETWDPTLDH